The following is an entry in ClinVar:

NM_001382430.1(AKT1):c.1289C>T (p.Thr430Met)

Gene: AKT1 (AKT serine/threonine kinase 1; minus strand). Cytogenetic location: 14q32.33.
Variant type: single nucleotide variant.
Coding change: c.1289C>T on transcript NM_001382430.1 (MANE Select); coding-DNA position 1289, C replaced by T.
Protein change: p.Thr430Met; replaces threonine 430 with methionine.
Molecular consequence: missense variant.
Genome position (GRCh38, 1-based): chr14:104,770,819, G>A on the plus strand (C>T on the coding strand, the complement: AKT1 is on the minus strand). VCF-style: chr14-104770819-G-A. GRCh37 (hg19) VCF-style: chr14-105237156-G-A.
Other names: c.1289C>T, p.Thr430Met (NM_001014431.2, NM_001014432.2, NM_001382431.1 and 3 more transcripts); short protein forms T430M.
Identifiers: ClinVar variation 853634 (VCV000853634.8), dbSNP rs749186394, ClinGen allele CA7374480.

ClinVar aggregate classification (germline): Uncertain significance. Review status: criteria provided, multiple submitters, no conflicts (2 of 4 stars). 2 submissions from 2 submitters: Uncertain significance (2). Last evaluated 2024-06-12.

Conditions:
Cowden syndrome 6 (CWS6). Identifiers: Orphanet 201, MedGen C3554519, MONDO:0014048, OMIM 615109.
Familial cancer of breast. Also called: hereditary breast carcinoma; BREAST CANCER, FAMILIAL; Hereditary breast cancer. Identifiers: Orphanet 227535, MedGen C0346153, MONDO:0016419, OMIM 114480. Disease mechanism: loss of function.
Ovarian cancer. Also called: OVARIAN CANCER, SOMATIC. Identifiers: Orphanet 213500, MedGen C1140680, MONDO:0008170, OMIM 167000.
Proteus syndrome. Also called: Hemihypertrophy and macrocephaly; Partial gigantism of hands and feet, nevi, hemihypertrophy, macrocephaly; PROTEUS SYNDROME, SOMATIC; GIGANTISM, PARTIAL, OF HANDS AND FEET, NEVI, HEMIHYPERTROPHY, AND MACROCEPHALY; ELATTOPROTEUS SYNDROME; Macrocephaly mesodermal hamartoma spectrum. Identifiers: Orphanet 744, MedGen C0085261, MONDO:0008318, OMIM 176920. Disease mechanism: gain of function, loss of function.
Colorectal cancer. Also called: Colorectal cancer, somatic; Malignant Colorectal Neoplasm. Identifiers: MedGen C0346629, MONDO:0005575, OMIM 114500.

Allele frequency attached by ClinVar (database versions not stated): gnomAD exomes below 0.00001 and 0.00001; ExAC 0.00001; gnomAD 0.00001; TOPMed 0.00001.

Submissions (2):

Fulgent Genetics
Classification: Uncertain significance for Familial cancer of breast; Colorectal cancer; Ovarian cancer; Proteus syndrome; Cowden syndrome 6. Last evaluated: 2024-06-12. Review status: criteria provided, single submitter. Criteria: ACMG Guidelines, 2015. Collection method: clinical testing. Allele origin: germline.

Labcorp Genetics (formerly Invitae), Labcorp
Classification: Uncertain significance for Cowden syndrome 6. Last evaluated: 2022-10-06. Review status: criteria provided, single submitter. Criteria: Invitae Variant Classification Sherloc (09022015). Collection method: clinical testing. Allele origin: germline.
Comment: This variant has not been reported in the literature in individuals affected with AKT1-related conditions. In summary, the available evidence is currently insufficient to determine the role of this variant in disease. Therefore, it has been classified as a Variant of Uncertain Significance. Algorithms developed to predict the effect of missense changes on protein structure and function are either unavailable or do not agree on the potential impact of this missense change (SIFT: "Tolerated"; PolyPhen-2: "Probably Damaging"; Align-GVGD: "Class C0"). ClinVar contains an entry for this variant (Variation ID: 853634). The frequency data for this variant in the population databases is considered unreliable, as metrics indicate poor data quality at this position in the gnomAD database. This sequence change replaces threonine, which is neutral and polar, with methionine, which is neutral and non-polar, at codon 430 of the AKT1 protein (p.Thr430Met).